The following is an entry in ClinVar:

ClinVar aggregate classification (germline): Likely pathogenic (1 of 4 stars; one submission).

Conditions:
Congenital heart defects, multiple types, 2 (CHTD2). Also called: Congenital heart defects, nonsyndromic, 2. Identifiers: Orphanet 664401, MedGen C3554279, MONDO:0014000, OMIM 614980.

Submission:

3billion
Classification: Likely pathogenic for Congenital heart defects, multiple types, 2. Last evaluated: 2025-12-30. Review status: criteria provided, single submitter. Criteria: ACMG Guidelines, 2015. Collection method: clinical testing. Allele origin: germline. Affected: yes.
Comment: The variant is not observed in the gnomAD v4.1.0 dataset. Predicted Consequence/Location: Stop-gained (nonsense): predicted to result in a loss or disruption of normal protein function through nonsense-mediated decay (NMD) or protein truncation. Multiple pathogenic variants are reported downstream of the variant. Therefore, this variant is classified as Likely pathogenic according to the recommendation of ACMG/AMP guideline.

NM_001292034.3(TAB2):c.1016C>A (p.Ser339Ter)

Genes: TAB2 (TGF-beta activated kinase 1 (MAP3K7) binding protein 2; plus strand), LOC126859827 (BRD4-independent group 4 enhancer GRCh37_chr6:149699707-149700906; plus strand). Cytogenetic location: 6q25.1.
Variant type: single nucleotide variant.
Coding change: c.1016C>A on transcript NM_001292034.3 (MANE Select); coding-DNA position 1016, C replaced by A.
Protein change: p.Ser339Ter; replaces serine 339 with a stop codon.
Molecular consequence: nonsense.
Genome position (GRCh38, 1-based): chr6:149,378,931, C>A. VCF-style: chr6-149378931-C-A. GRCh37 (hg19) VCF-style: chr6-149700067-C-A.
Other names: c.920C>A, p.Ser307Ter (NM_001292035.3); c.1016C>A, p.Ser339Ter (NM_001369506.1, NM_015093.6); short protein forms S307*, S339*.
Identifiers: ClinVar variation 4856270 (VCV004856270.1).